The following is an entry in ClinVar:

ClinVar aggregate classification (germline): Uncertain significance (1 of 4 stars; one submission).

Submission:

Ambry Genetics
Classification: Uncertain significance. Last evaluated: 2024-06-09. Review status: criteria provided, single submitter. Criteria: Ambry Variant Classification Scheme 2023. Collection method: clinical testing. Allele origin: germline.
Comment: The p.T1673A variant (also known as c.5017A>G), located in coding exon 16 of the POLQ gene, results from an A to G substitution at nucleotide position 5017. The threonine at codon 1673 is replaced by alanine, an amino acid with similar properties. This amino acid position is conserved. In addition, this alteration is predicted to be tolerated by in silico analysis. Since supporting evidence is limited at this time, the clinical significance of this alteration remains unclear.

NM_199420.4(POLQ):c.5017A>G (p.Thr1673Ala)

Gene: POLQ (DNA polymerase theta; minus strand). Cytogenetic location: 3q13.33.
Variant type: single nucleotide variant.
Coding change: c.5017A>G on transcript NM_199420.4 (MANE Select); coding-DNA position 5017, A replaced by G.
Protein change: p.Thr1673Ala; replaces threonine 1673 with alanine.
Molecular consequence: missense variant.
Genome position (GRCh38, 1-based): chr3:121,487,914, T>C on the plus strand (A>G on the coding strand, the complement: POLQ is on the minus strand). VCF-style: chr3-121487914-T-C. GRCh37 (hg19) VCF-style: chr3-121206761-T-C.
Other names: short protein forms T1673A.
Identifiers: ClinVar variation 1744788 (VCV001744788.3), dbSNP rs2546785243, ClinGen allele CA354092398.